The following is an entry in ClinVar:

NM_001276270.2(MBD4):c.1226G>A (p.Ser409Asn)

Gene: MBD4 (methyl-CpG binding domain 4, DNA glycosylase; minus strand). Cytogenetic location: 3q21.3.
Variant type: single nucleotide variant.
Coding change: c.1226G>A on transcript NM_001276270.2 (MANE Select); coding-DNA position 1226, G replaced by A.
Protein change: p.Ser409Asn; replaces serine 409 with asparagine.
Molecular consequence: missense variant.
Genome position (GRCh38, 1-based): chr3:129,434,094, C>T on the plus strand (G>A on the coding strand, the complement: MBD4 is on the minus strand). VCF-style: chr3-129434094-C-T. GRCh37 (hg19) VCF-style: chr3-129152937-C-T.
Other names: c.1244G>A, p.Ser415Asn (NM_001276271.2, NM_001276272.2, NM_003925.3); c.290G>A, p.Ser97Asn (NM_001276273.2); short protein forms S409N, S415N, S97N.
Identifiers: ClinVar variation 4624397 (VCV004624397.1).

ClinVar aggregate classification (germline): Uncertain significance (1 of 4 stars; one submission).

Conditions:
Inborn genetic diseases. Identifiers: MedGen C0950123, MeSH D030342.

Submission:

Ambry Genetics
Classification: Uncertain significance for Inborn genetic diseases. Last evaluated: 2025-10-07. Review status: criteria provided, single submitter. Criteria: Ambry Variant Classification Scheme 2023. Collection method: clinical testing. Allele origin: germline.
Comment: The p.S409N variant (also known as c.1226G>A), located in coding exon 4 of the MBD4 gene, results from a G to A substitution at nucleotide position 1226. The serine at codon 409 is replaced by asparagine, an amino acid with highly similar properties. This amino acid position is conserved. In addition, the in silico prediction for this alteration is inconclusive. Based on the available evidence, the clinical significance of this variant remains unclear.